The following is an entry in ClinVar:

NM_020806.5(GPHN):c.963+10G>A

Gene: GPHN (gephyrin; plus strand). Cytogenetic location: 14q23.3.
Variant type: single nucleotide variant.
Coding change: c.963+10G>A on transcript NM_020806.5 (MANE Select); 10 bases into the intron after coding-DNA position 963, G replaced by A.
Molecular consequence: intron variant.
Genome position (GRCh38, 1-based): chr14:66,965,335, G>A. VCF-style: chr14-66965335-G-A. GRCh37 (hg19) VCF-style: chr14-67432052-G-A.
Other names: p.?; c.903+10G>A (NM_001377514.1, NM_001377519.1); c.864+10G>A (NM_001377515.1, NM_001377516.1, NM_001377518.1 and 2 more transcripts).
Identifiers: ClinVar variation 466214 (VCV000466214.16), dbSNP rs41310850, ClinGen allele CA7233877.

ClinVar aggregate classification (germline): Benign/Likely benign. Review status: criteria provided, multiple submitters, no conflicts (2 of 4 stars). 5 submissions from 5 submitters: Benign (2); Likely benign (3). Last evaluated 2026-02-04.

Conditions:
Sulfite oxidase deficiency due to molybdenum cofactor deficiency type C. Also called: Molybdenum cofactor deficiency C; Molybdenum cofactor deficiency, complementation group C. Identifiers: Orphanet 308400, Orphanet 833, MedGen C1854990, MONDO:0014212, OMIM 615501.

Allele frequency attached by ClinVar (database versions not stated): 1000 Genomes Project 0.00319; 1000 Genomes Project 30x 0.00344; TOPMed 0.00878; gnomAD 0.00981 and 0.01014; gnomAD exomes 0.01099 and 0.01336; ExAC 0.01102; ESP Exome Variant Server 0.01176.
gnomAD v4.1: 20,833 of 1,612,282 alleles (1.3%); highest among the groups gnomAD compares: Middle Eastern, 1.7%; 179 homozygotes.

Submissions (5):

Labcorp Genetics (formerly Invitae), Labcorp
Classification: Benign for Sulfite oxidase deficiency due to molybdenum cofactor deficiency type C. Last evaluated: 2026-02-04. Review status: criteria provided, single submitter. Criteria: Invitae Variant Classification Sherloc (09022015). Collection method: clinical testing. Allele origin: germline.

Blueprint Genetics
Classification: Likely benign. Last evaluated: 2024-11-27. Review status: criteria provided, single submitter. Criteria: ACMG Guidelines, 2015. Collection method: clinical testing. Allele origin: germline.

Mayo Clinic Laboratories, Mayo Clinic
Classification: Benign. Last evaluated: 2023-03-23. Review status: criteria provided, single submitter. Criteria: ACMG Guidelines, 2015. Collection method: clinical testing. Allele origin: germline. Observed: 6 variant alleles.
Comment: BS1, BS2, BP4, BP7

GeneDx
Classification: Likely benign. Last evaluated: 2020-06-16. Review status: criteria provided, single submitter. Criteria: GeneDx Variant Classification Process June 2021. Collection method: clinical testing. Allele origin: germline. Affected: yes.

Breakthrough Genomics
Classification: Likely benign. Review status: criteria provided, single submitter. Criteria: ACMG Guidelines, 2015. Collection method: not provided. Allele origin: germline. Inheritance: Autosomal recessive inheritance. Affected: yes.